The following is an entry in ClinVar:

NM_015164.4(PLEKHM2):c.1535A>G (p.Gln512Arg)

Gene: PLEKHM2 (pleckstrin homology and RUN domain containing M2; plus strand). Cytogenetic location: 1p36.21.
Variant type: single nucleotide variant.
Coding change: c.1535A>G on transcript NM_015164.4 (MANE Select); coding-DNA position 1535, A replaced by G.
Protein change: p.Gln512Arg; replaces glutamine 512 with arginine.
Molecular consequence: missense variant.
Genome position (GRCh38, 1-based): chr1:15,727,607, A>G. VCF-style: chr1-15727607-A-G. GRCh37 (hg19) VCF-style: chr1-16054102-A-G.
Other names: c.1475A>G, p.Gln492Arg (NM_001410755.1); short protein forms Q492R, Q512R.
Identifiers: ClinVar variation 4812595 (VCV004812595.1).

ClinVar aggregate classification (germline): Uncertain significance (1 of 4 stars; one submission).

gnomAD v4.1: 1 of 1,584,662 alleles (0.000063%); highest among the groups gnomAD compares: Non-Finnish European, 0.000086%; no homozygotes.

Submission:

Labcorp Genetics (formerly Invitae), Labcorp
Classification: Uncertain significance. Last evaluated: 2025-08-28. Review status: criteria provided, single submitter. Criteria: Invitae Variant Classification Sherloc (09022015). Collection method: clinical testing. Allele origin: germline.
Comment: This sequence change replaces glutamine, which is neutral and polar, with arginine, which is basic and polar, at codon 512 of the PLEKHM2 protein (p.Gln512Arg). This variant is not present in population databases (gnomAD no frequency). This variant has not been reported in the literature in individuals affected with PLEKHM2-related conditions. An algorithm developed to predict the effect of missense changes on protein structure and function (PolyPhen-2) suggests that this variant is likely to be tolerated. In summary, the available evidence is currently insufficient to determine the role of this variant in disease. Therefore, it has been classified as a Variant of Uncertain Significance.